The following is an entry in ClinVar:

ClinVar aggregate classification (germline): Uncertain significance (1 of 4 stars; one submission).

Conditions:
Febrile seizures, familial, 8 (FEB8). Also called: CONVULSIONS, FAMILIAL FEBRILE, 8. Identifiers: Orphanet 36387, MedGen C1969810, MONDO:0011891, OMIM 607681.
EPILEPSY, CHILDHOOD ABSENCE, SUSCEPTIBILITY TO, 2 (ECA2). Identifiers: Orphanet 64280, MedGen C1843244, OMIM 607681.

Submission:

Labcorp Genetics (formerly Invitae), Labcorp
Classification: Uncertain significance for Febrile seizures, familial, 8; EPILEPSY, CHILDHOOD ABSENCE, SUSCEPTIBILITY TO, 2. Last evaluated: 2024-05-08. Review status: criteria provided, single submitter. Criteria: Invitae Variant Classification Sherloc (09022015). Collection method: clinical testing. Allele origin: germline.
Comment: This sequence change replaces glycine, which is neutral and non-polar, with valine, which is neutral and non-polar, at codon 86 of the GABRG2 protein (p.Gly86Val). This variant is not present in population databases (gnomAD no frequency). This variant has not been reported in the literature in individuals affected with GABRG2-related conditions. An algorithm developed to predict the effect of missense changes on protein structure and function (PolyPhen-2) suggests that this variant is likely to be disruptive. Algorithms developed to predict the effect of sequence changes on RNA splicing suggest that this variant may disrupt the consensus splice site. In summary, the available evidence is currently insufficient to determine the role of this variant in disease. Therefore, it has been classified as a Variant of Uncertain Significance.

NM_198904.4(GABRG2):c.257G>T (p.Gly86Val)

Gene: GABRG2 (gamma-aminobutyric acid type A receptor subunit gamma2; plus strand). Cytogenetic location: 5q34.
Variant type: single nucleotide variant.
Coding change: c.257G>T on transcript NM_198904.4 (MANE Select); coding-DNA position 257, G replaced by T.
Protein change: p.Gly86Val; replaces glycine 86 with valine.
Molecular consequence: missense variant. On other transcripts: 5 prime UTR variant (3).
Genome position (GRCh38, 1-based): chr5:162,093,977, G>T. VCF-style: chr5-162093977-G-T. GRCh37 (hg19) VCF-style: chr5-161520983-G-T.
Other names: c.257G>T, p.Gly86Val (NM_000816.3, NM_001375340.1, NM_001375341.1 and 4 more transcripts); c.248G>T, p.Gly83Val (NM_001375339.1); c.191G>T, p.Gly64Val (NM_001375345.1, NM_001375346.1); c.170G>T, p.Gly57Val (NM_001375347.1); c.-102G>T (NM_001375348.1, NM_001375350.1); c.-29G>T (NM_001375349.1); short protein forms G57V, G64V, G83V, G86V.
Identifiers: ClinVar variation 3756082 (VCV003756082.2).